The following is an entry in ClinVar:

NM_001001331.4(ATP2B2):c.1503del (p.Gly502fs)

Gene: ATP2B2 (ATPase plasma membrane Ca2+ transporting 2; minus strand). Cytogenetic location: 3p25.3.
Variant type: Deletion.
Coding change: c.1503del on transcript NM_001001331.4 (MANE Select); coding-DNA position 1503, one base deleted (A; older notation c.1503delA).
Protein change: p.Gly502fs; shifts the reading frame from glycine 502.
Molecular consequence: frameshift variant.
Genome position (GRCh38, 1-based): chr3:10,371,965, T deleted on the plus strand (A on the coding strand, the reverse complement: ATP2B2 is on the minus strand). VCF-style (leftmost placement, unchanged base first): chr3-10371964-CT-C. GRCh37 (hg19) VCF-style: chr3-10413648-CT-C.
Other names: c.1368del, p.Gly457fs (NM_001330611.3, NM_001353564.1, NM_001363862.1 and 1 more transcripts); short protein forms G457fs, G502fs.
Identifiers: ClinVar variation 3728302 (VCV003728302.2).

ClinVar aggregate classification (germline): Pathogenic (1 of 4 stars; one submission).

Submission:

Labcorp Genetics (formerly Invitae), Labcorp
Classification: Pathogenic. Last evaluated: 2025-03-17. Review status: criteria provided, single submitter. Criteria: Invitae Variant Classification Sherloc (09022015). Collection method: clinical testing. Allele origin: germline.
Comment: This sequence change creates a premature translational stop signal (p.Gly457Alafs*3) in the ATP2B2 gene. It is expected to result in an absent or disrupted protein product. Loss-of-function variants in ATP2B2 are known to be pathogenic (PMID: 30535804). This variant is not present in population databases (gnomAD no frequency). This variant has not been reported in the literature in individuals affected with ATP2B2-related conditions. For these reasons, this variant has been classified as Pathogenic.

Literature cited by the submitters: PubMed 30535804.